The following is an entry in ClinVar:

ClinVar aggregate classification (germline): Uncertain significance (1 of 4 stars; one submission).

Conditions:
Cardiovascular phenotype. Identifiers: MedGen CN230736.

gnomAD v4.1: 3 of 1,606,554 alleles (0.00019%); highest among the groups gnomAD compares: Admixed American, 0.0033%; no homozygotes.

Submission:

Ambry Genetics
Classification: Uncertain significance for Cardiovascular phenotype. Last evaluated: 2025-01-31. Review status: criteria provided, single submitter. Criteria: Ambry Variant Classification Scheme 2023. Collection method: clinical testing. Allele origin: germline.
Comment: The p.Y646C variant (also known as c.1937A>G), located in coding exon 24 of the CACNA2D1 gene, results from an A to G substitution at nucleotide position 1937. The tyrosine at codon 646 is replaced by cysteine, an amino acid with highly dissimilar properties. This amino acid position is well conserved in available vertebrate species. In addition, this alteration is predicted to be tolerated by in silico analysis. Based on the available evidence, the clinical significance of this variant remains unclear.

NM_000722.4(CACNA2D1):c.1937A>G (p.Tyr646Cys)

Gene: CACNA2D1 (calcium voltage-gated channel auxiliary subunit alpha2delta 1; minus strand). Cytogenetic location: 7q21.11.
Variant type: single nucleotide variant.
Coding change: c.1937A>G on transcript NM_000722.4 (MANE Select); coding-DNA position 1937, A replaced by G.
Protein change: p.Tyr646Cys; replaces tyrosine 646 with cysteine.
Molecular consequence: missense variant.
Genome position (GRCh38, 1-based): chr7:81,982,585, T>C on the plus strand (A>G on the coding strand, the complement: CACNA2D1 is on the minus strand). VCF-style: chr7-81982585-T-C. GRCh37 (hg19) VCF-style: chr7-81611901-T-C.
Other names: c.1973A>G, p.Tyr658Cys (NM_001366867.1); short protein forms Y646C, Y658C.
Identifiers: ClinVar variation 3826688 (VCV003826688.1).
Genomic context (GRCh38, chr7:81,982,585, plus strand): 5'-AGCTACTGATAGAAGATGTATCAAAAATACAACAAAACCAACCTTGGTGCTATGAATGTA[T>C]AGCCAGATTCTTCAAAATTATCTGGCTTCAGGGTTTCCGAATCTGCAAAGATAATGTTAC-3'
Protein context (NP_000713.2, residues 636-656): LKPDNFEESG[Tyr646Cys]TFIAPRDYCN